The following is an entry in ClinVar:

ClinVar aggregate classification (germline): Uncertain significance (1 of 4 stars; one submission).

Conditions:
Mucopolysaccharidosis, MPS-III-B (MPS3B). Also called: MPS IIIB (Sanfilippo Syndrome Type B); N-ACETYL-ALPHA-D-GLUCOSAMINIDASE DEFICIENCY; NAGLU DEFICIENCY; SANFILIPPO SYNDROME B; MPS III B; Mucopolysaccharidosis type IIIB (Sanfilippo B). Identifiers: Orphanet 79270, MedGen C0086648, MONDO:0009656, OMIM 252920.
Charcot-Marie-Tooth disease axonal type 2V. Also called: CHARCOT-MARIE-TOOTH NEUROPATHY, TYPE 2V; CHARCOT-MARIE-TOOTH DISEASE, AXONAL, AUTOSOMAL DOMINANT, TYPE 2V. Identifiers: Orphanet 447964, MedGen C5569050, MONDO:0014665, OMIM 616491.

Submission:

Labcorp Genetics (formerly Invitae), Labcorp
Classification: Uncertain significance for Charcot-Marie-Tooth disease axonal type 2V; Mucopolysaccharidosis, MPS-III-B. Last evaluated: 2025-07-14. Review status: criteria provided, single submitter. Criteria: Invitae Variant Classification Sherloc (09022015). Collection method: clinical testing. Allele origin: germline.
Comment: This sequence change replaces valine, which is neutral and non-polar, with glycine, which is neutral and non-polar, at codon 135 of the NAGLU protein (p.Val135Gly). The frequency data for this variant in the population databases is considered unreliable, as metrics indicate poor data quality at this position in the gnomAD database. This variant has not been reported in the literature in individuals affected with NAGLU-related conditions. Invitae Evidence Modeling of protein sequence and biophysical properties (such as structural, functional, and spatial information, amino acid conservation, physicochemical variation, residue mobility, and thermodynamic stability) indicates that this missense variant is expected to disrupt NAGLU protein function with a positive predictive value of 95%. In summary, the available evidence is currently insufficient to determine the role of this variant in disease. Therefore, it has been classified as a Variant of Uncertain Significance.

NM_000263.4(NAGLU):c.404T>G (p.Val135Gly)

Gene: NAGLU (N-acetyl-alpha-glucosaminidase; plus strand). Cytogenetic location: 17q21.2.
Variant type: single nucleotide variant.
Coding change: c.404T>G on transcript NM_000263.4 (MANE Select); coding-DNA position 404, T replaced by G.
Protein change: p.Val135Gly; replaces valine 135 with glycine.
Molecular consequence: missense variant.
Genome position (GRCh38, 1-based): chr17:42,537,418, T>G. VCF-style: chr17-42537418-T-G. GRCh37 (hg19) VCF-style: chr17-40689436-T-G.
Other names: short protein forms V135G.
Identifiers: ClinVar variation 4787760 (VCV004787760.1).
Genomic context (GRCh38, chr17:42,537,418, plus strand): 5'-CCAGGGTGGGATGCGCCCCTGCTCATGACACTGCCCGCAGGTACCGCTATTACCAGAATG[T>G]GTGCACGCAAAGCTACTCTTTCGTGTGGTGGGACTGGGCCCGCTGGGAGCGAGAGATAGA-3'
Protein context (NP_000254.2, residues 125-145): TPNRYRYYQN[Val135Gly]CTQSYSFVWW